The following is an entry in ClinVar:

ClinVar aggregate classification (germline): Uncertain significance. Review status: criteria provided, multiple submitters, no conflicts (2 of 4 stars). 3 submissions from 3 submitters: Uncertain significance (3). Last evaluated 2026-02-05.

Conditions:
Dilated cardiomyopathy 1W (CMD1W). Identifiers: Orphanet 154, MedGen C1969639, MONDO:0012667, OMIM 611407.
Cardiovascular phenotype. Identifiers: MedGen CN230736.
Hypertrophic cardiomyopathy 15. Identifiers: MedGen C2750459, MONDO:0013200, OMIM 613255.

Allele frequency attached by ClinVar (database versions not stated): TOPMed 0.00001; gnomAD exomes below 0.00001 and 0.00001; gnomAD 0.00001.

Submissions (3):

Ambry Genetics
Classification: Uncertain significance for Cardiovascular phenotype. Last evaluated: 2026-02-05. Review status: criteria provided, single submitter. Criteria: Ambry Variant Classification Scheme 2023. Collection method: clinical testing. Allele origin: germline.
Comment: The p.E177K variant (also known as c.529G>A), located in coding exon 5 of the VCL gene, results from a G to A substitution at nucleotide position 529. The glutamic acid at codon 177 is replaced by lysine, an amino acid with similar properties. This amino acid position is highly conserved in available vertebrate species. In addition, the in silico prediction for this alteration is inconclusive. Based on the available evidence, the clinical significance of this variant remains unclear.

Labcorp Genetics (formerly Invitae), Labcorp
Classification: Uncertain significance for Dilated cardiomyopathy 1W. Last evaluated: 2025-12-15. Review status: criteria provided, single submitter. Criteria: Invitae Variant Classification Sherloc (09022015). Collection method: clinical testing. Allele origin: germline.
Comment: This sequence change replaces glutamic acid, which is acidic and polar, with lysine, which is basic and polar, at codon 177 of the VCL protein (p.Glu177Lys). The frequency data for this variant in the population databases is considered unreliable, as metrics indicate poor data quality at this position in the gnomAD database. This variant has not been reported in the literature in individuals affected with VCL-related conditions. ClinVar contains an entry for this variant (Variation ID: 844798). An algorithm developed to predict the effect of missense changes on protein structure and function (PolyPhen-2) suggests that this variant is likely to be disruptive. In summary, the available evidence is currently insufficient to determine the role of this variant in disease. Therefore, it has been classified as a Variant of Uncertain Significance.

Clinical Genomics Laboratory, Stanford Medicine
Classification: Uncertain significance for Dilated cardiomyopathy 1W; Hypertrophic cardiomyopathy 15. Last evaluated: 2022-04-11. Review status: criteria provided, single submitter. Criteria: ACMG Guidelines, 2015. Collection method: clinical testing. Allele origin: germline. Observed: 1 variant allele, 1 heterozygote.
Comment: The p.Glu177Lys variant in the VCL gene has not been previously reported in association with disease. This variant has been identified in 1/30,616 South Asian chromosomes (2/282,678 chromosomes overall) by the Genome Aggregation Database. Although this variant has been seen in the general population, its frequency is low enough to be consistent with the prevalence of cardiomyopathy. The glutamic acid at position 177 is evolutionarily conserved. Computational tools do not predict that the p.Glu177Lys variant is deleterious; however, the accuracy of in silico algorithms is limited. These data were assessed using the ACMG/AMP variant interpretation guidelines. In summary, the significance of the p.Glu177Lys variant is uncertain. Additional information is needed to resolve the significance of this variant. [ACMG evidence codes used: PM2]

NM_014000.3(VCL):c.529G>A (p.Glu177Lys)

Gene: VCL (vinculin; plus strand). Cytogenetic location: 10q22.2.
Variant type: single nucleotide variant.
Coding change: c.529G>A on transcript NM_014000.3 (MANE Select); coding-DNA position 529, G replaced by A.
Protein change: p.Glu177Lys; replaces glutamic acid 177 with lysine.
Molecular consequence: missense variant.
Genome position (GRCh38, 1-based): chr10:74,072,759, G>A. VCF-style: chr10-74072759-G-A. GRCh37 (hg19) VCF-style: chr10-75832517-G-A.
Other names: c.529G>A, p.Glu177Lys (NM_003373.4); short protein forms E177K.
Identifiers: ClinVar variation 844798 (VCV000844798.10), dbSNP rs1007055332, ClinGen allele CA209693110.